The following is an entry in ClinVar:

NM_014171.6(CRIPT):c.242-12_242-10del

Gene: CRIPT (CXXC repeat containing interactor of PDZ3 domain; plus strand). Cytogenetic location: 2p21.
Variant type: Microsatellite.
Coding change: c.242-12_242-10del on transcript NM_014171.6 (MANE Select); 12 bases into the intron before coding-DNA position 242 through 10 bases into the intron before coding-DNA position 242, 3 bases deleted (CTT; older notation c.242-12_242-10delCTT).
Molecular consequence: intron variant.
Genome position (GRCh38, 1-based): chr2:46,624,151-46,624,153, CTT deleted; deleting any 3 consecutive bases within chr2:46,624,147-46,624,153 gives the same sequence; the c. name uses the placement nearest the transcript's 3' end. VCF-style (leftmost placement, unchanged base first): chr2-46624146-ATCT-A. GRCh37 (hg19) VCF-style: chr2-46851285-ATCT-A.
Identifiers: ClinVar variation 2101605 (VCV002101605.4), dbSNP rs1340910733, ClinGen allele CA769376855.

ClinVar aggregate classification (germline): Uncertain significance (1 of 4 stars; one submission).

Submission:

Labcorp Genetics (formerly Invitae), Labcorp
Classification: Uncertain significance. Last evaluated: 2022-03-04. Review status: criteria provided, single submitter. Criteria: Invitae Variant Classification Sherloc (09022015). Collection method: clinical testing. Allele origin: germline.
Comment: In summary, the available evidence is currently insufficient to determine the role of this variant in disease. Therefore, it has been classified as a Variant of Uncertain Significance. This sequence change falls in intron 4 of the CRIPT gene. It does not directly change the encoded amino acid sequence of the CRIPT protein. This variant is not present in population databases (gnomAD no frequency). This variant has not been reported in the literature in individuals affected with CRIPT-related conditions. Algorithms developed to predict the effect of sequence changes on RNA splicing suggest that this variant may disrupt the consensus splice site.